The following is an entry in ClinVar:

NM_001035.3(RYR2):c.4821T>C (p.Asp1607=)

Gene: RYR2 (ryanodine receptor 2; plus strand). Cytogenetic location: 1q43.
Variant type: single nucleotide variant.
Coding change: c.4821T>C on transcript NM_001035.3 (MANE Select); coding-DNA position 4821, T replaced by C.
Protein change: p.Asp1607=; no amino-acid change (aspartic acid 1607 retained).
Molecular consequence: synonymous variant.
Genome position (GRCh38, 1-based): chr1:237,610,899, T>C. VCF-style: chr1-237610899-T-C. GRCh37 (hg19) VCF-style: chr1-237774199-T-C.
Other names: c.4821T>C, p.Asp1607= (LRG_402t1).
Identifiers: ClinVar variation 629542 (VCV000629542.14), dbSNP rs868510940, ClinGen allele CA39824985.

ClinVar aggregate classification (germline): Likely benign. Review status: criteria provided, multiple submitters, no conflicts (2 of 4 stars). 5 submissions from 5 submitters: Likely benign (5). Last evaluated 2025-07-20.

Conditions:
Catecholaminergic polymorphic ventricular tachycardia (CVPT). Also called: Catecholamine-induced polymorphic ventricular tachycardia. Identifiers: Orphanet 3286, MedGen C5574922, MONDO:0017990.
Catecholaminergic polymorphic ventricular tachycardia 1. Also called: RYR2-Related Catecholaminergic Polymorphic Ventricular Tachycardia; VENTRICULAR TACHYCARDIA, CATECHOLAMINERGIC POLYMORPHIC, 1, WITH OR WITHOUT ATRIAL DYSFUNCTION AND/OR DILATED CARDIOMYOPATHY; VENTRICULAR TACHYCARDIA, STRESS-INDUCED POLYMORPHIC 1. Identifiers: Orphanet 3286, MedGen C1631597, MONDO:0011484, OMIM 604772.
Cardiomyopathy (CMYO). Also called: Cardiomyopathies. Identifiers: Orphanet 167848, MedGen C0878544, MONDO:0004994, HP:0001638. Inheritance: Various modes of inheritance.

Allele frequency attached by ClinVar (database versions not stated): gnomAD exomes below 0.00001; TOPMed below 0.00001.
gnomAD v4.1: 10 of 1,613,508 alleles (0.00062%); highest among the groups gnomAD compares: African/African-American, 0.0027%; no homozygotes.

Submissions (5):

Labcorp Genetics (formerly Invitae), Labcorp
Classification: Likely benign for Catecholaminergic polymorphic ventricular tachycardia 1. Last evaluated: 2025-07-20. Review status: criteria provided, single submitter. Criteria: Invitae Variant Classification Sherloc (09022015). Collection method: clinical testing. Allele origin: germline.

Blueprint Genetics
Classification: Likely benign. Last evaluated: 2024-10-23. Review status: criteria provided, single submitter. Criteria: ACMG Guidelines, 2015. Collection method: clinical testing. Allele origin: germline.

All of Us Research Program, National Institutes of Health
Classification: Likely benign for Catecholaminergic polymorphic ventricular tachycardia. Last evaluated: 2023-11-10. Review status: criteria provided, single submitter. Criteria: ACMG Guidelines, 2015. Collection method: clinical testing. Allele origin: germline. Inheritance: Autosomal dominant inheritance. Observed: 1 variant allele, 1 heterozygote.
Comment: This study involves interpretation of variants in research participants for the purpose of population health screening. Participant phenotype was not available at the time of variant classification. Additional details can be found in publication PMID: 35346344, PMCID: PMC8962531

Women's Health and Genetics/Laboratory Corporation of America, LabCorp
Classification: Likely benign. Last evaluated: 2019-11-02. Review status: criteria provided, single submitter. Criteria: LabCorp Variant Classification Summary - May 2015. Collection method: clinical testing. Allele origin: germline.

Color Diagnostics, LLC DBA Color Health
Classification: Likely benign for Cardiomyopathy. Last evaluated: 2018-10-16. Review status: criteria provided, single submitter. Criteria: ACMG Guidelines, 2015. Collection method: clinical testing. Allele origin: germline.